The following is an entry in ClinVar:

NM_000286.3(PEX12):c.616C>A (p.Gln206Lys)

Gene: PEX12 (peroxisomal biogenesis factor 12; minus strand). Cytogenetic location: 17q12.
Variant type: single nucleotide variant.
Coding change: c.616C>A on transcript NM_000286.3 (MANE Select); coding-DNA position 616, C replaced by A.
Protein change: p.Gln206Lys; replaces glutamine 206 with lysine.
Molecular consequence: missense variant.
Genome position (GRCh38, 1-based): chr17:35,577,102, G>T on the plus strand (C>A on the coding strand, the complement: PEX12 is on the minus strand). VCF-style: chr17-35577102-G-T. GRCh37 (hg19) VCF-style: chr17-33904121-G-T.
Other names: short protein forms Q206K.
Identifiers: ClinVar variation 1462134 (VCV001462134.6), dbSNP rs786205502, ClinGen allele CA399137761.

ClinVar aggregate classification (germline): Uncertain significance (1 of 4 stars; one submission).

Conditions:
Peroxisome biogenesis disorder 3A (Zellweger). Also called: PEROXISOMAL BIOGENESIS DISORDER 3A (ZELLWEGER); Peroxisome biogenesis disorder 3A. Identifiers: Orphanet 912, MedGen C3553929, MONDO:0013927, OMIM 614859.

Allele frequency attached by ClinVar (database versions not stated): gnomAD exomes 0.00001.

Submission:

Labcorp Genetics (formerly Invitae), Labcorp
Classification: Uncertain significance for Peroxisome biogenesis disorder 3A (Zellweger). Last evaluated: 2021-01-15. Review status: criteria provided, single submitter. Criteria: Invitae Variant Classification Sherloc (09022015). Collection method: clinical testing. Allele origin: germline.
Comment: In summary, the available evidence is currently insufficient to determine the role of this variant in disease. Therefore, it has been classified as a Variant of Uncertain Significance. Algorithms developed to predict the effect of missense changes on protein structure and function (SIFT, PolyPhen-2, Align-GVGD) all suggest that this variant is likely to be tolerated, but these predictions have not been confirmed by published functional studies and their clinical significance is uncertain. This variant has not been reported in the literature in individuals with PEX12-related conditions. This variant is not present in population databases (ExAC no frequency). This sequence change replaces glutamine with lysine at codon 206 of the PEX12 protein (p.Gln206Lys). The glutamine residue is weakly conserved and there is a small physicochemical difference between glutamine and lysine.